The following is an entry in ClinVar:

NM_000179.3(MSH6):c.3850_3851dup (p.Phe1285fs)

Gene: MSH6 (mutS homolog 6; plus strand). Cytogenetic location: 2p16.3.
Variant type: Duplication.
Coding change: c.3850_3851dup on transcript NM_000179.3 (MANE Select); coding-DNA positions 3850 to 3851, 2 bases duplicated (AC; older notation c.3850_3851dupAC).
Protein change: p.Phe1285fs; shifts the reading frame from phenylalanine 1285.
Molecular consequence: frameshift variant.
Genome position (GRCh38, 1-based): chr2:47,806,500-47,806,501, AC duplicated. VCF-style (leftmost placement, unchanged base first): chr2-47806499-T-TAC. GRCh37 (hg19) VCF-style: chr2-48033638-T-TAC.
Other names: c.3460_3461dup, p.Phe1155fs (NM_001281492.2); c.2944_2945dup, p.Phe983fs (NM_001281493.2, NM_001281494.2); c.3946_3947dup, p.Phe1317Argfs (NM_001406795.1); c.3850_3851dup, p.Phe1285Argfs (NM_001406796.1, NM_001406808.1, NM_001406809.1); c.3553_3554dup, p.Phe1186Argfs (NM_001406797.1, NM_001406818.1, NM_001406819.1 and 10 more transcripts); c.3676_3677dup, p.Phe1227Argfs (NM_001406798.1); c.3325_3326dup, p.Phe1110Argfs (NM_001406799.1, NM_001406806.1, NM_001406807.1); c.3837_3838dup, p.Arg1280Hisfs (NM_001406800.1); and 9 more; short protein forms F1155fs, F983fs, F1285fs.
Identifiers: ClinVar variation 2034592 (VCV002034592.4), dbSNP rs2530860773, ClinGen allele CA2580067403.

ClinVar aggregate classification (germline): Pathogenic (1 of 4 stars; one submission).

Conditions:
Hereditary nonpolyposis colorectal neoplasms. Identifiers: MedGen C0009405, MeSH D003123.

Submission:

Labcorp Genetics (formerly Invitae), Labcorp
Classification: Pathogenic for Hereditary nonpolyposis colorectal neoplasms. Last evaluated: 2022-10-07. Review status: criteria provided, single submitter. Criteria: Invitae Variant Classification Sherloc (09022015). Collection method: clinical testing. Allele origin: germline.
Comment: This sequence change creates a premature translational stop signal (p.Phe1285Argfs*43) in the MSH6 gene. While this is not anticipated to result in nonsense mediated decay, it is expected to disrupt the last 76 amino acid(s) of the MSH6 protein. For these reasons, this variant has been classified as Pathogenic. This variant disrupts a region of the MSH6 protein in which other variant(s) (p.Arg1331*) have been determined to be pathogenic (PMID: 16034045, 16418736, 18301448, 19851887, 20587412, 21056691, 21155762, 21642682, 27601186). This suggests that this is a clinically significant region of the protein, and that variants that disrupt it are likely to be disease-causing. This variant has not been reported in the literature in individuals affected with MSH6-related conditions. This variant is not present in population databases (gnomAD no frequency).

Literature cited by the submitters: PubMed 16034045; PubMed 16418736; PubMed 18301448; PubMed 19851887; PubMed 20587412; PubMed 21056691; PubMed 21155762; PubMed 21642682; PubMed 27601186.